The following is an entry in ClinVar:

ClinVar aggregate classification (germline): Pathogenic (1 of 4 stars; one submission).

Conditions:
Meckel-Gruber syndrome. Also called: Dysencephalia splachnocystica; DYSENCEPHALIA SPLANCHNOCYSTICA; GRUBER SYNDROME. Identifiers: Orphanet 564, MedGen C0265215, MONDO:0018921.
Nephronophthisis. Also called: Juvenile Nephronophthisis. Identifiers: Orphanet 655, MedGen C0687120, MONDO:0019005, HP:0000090.
Joubert syndrome. Also called: Familial aplasia of the vermis; CEREBELLOPARENCHYMAL DISORDER IV; JOUBERT-BOLTSHAUSER SYNDROME. Identifiers: Orphanet 475, MedGen C5979921, MONDO:0018772.

Submission:

Labcorp Genetics (formerly Invitae), Labcorp
Classification: Pathogenic for Joubert syndrome; Meckel-Gruber syndrome; Nephronophthisis. Last evaluated: 2022-10-20. Review status: criteria provided, single submitter. Criteria: Invitae Variant Classification Sherloc (09022015). Collection method: clinical testing. Allele origin: germline.
Comment: This variant is not present in population databases (gnomAD no frequency). This sequence change creates a premature translational stop signal (p.Arg2254Lysfs*6) in the CEP290 gene. It is expected to result in an absent or disrupted protein product. Loss-of-function variants in CEP290 are known to be pathogenic (PMID: 16909394, 17345604, 20690115). This variant has not been reported in the literature in individuals affected with CEP290-related conditions. For these reasons, this variant has been classified as Pathogenic. ClinVar contains an entry for this variant (Variation ID: 969044).

Literature cited by the submitters: PubMed 16909394; PubMed 17345604; PubMed 20690115.

NM_025114.4(CEP290):c.6760dup (p.Arg2254fs)

Gene: CEP290 (centrosomal protein 290; minus strand). Cytogenetic location: 12q21.32.
Variant type: Duplication.
Coding change: c.6760dup on transcript NM_025114.4 (MANE Select); coding-DNA position 6760, one base duplicated (A; older notation c.6760dupA).
Protein change: p.Arg2254fs; shifts the reading frame from arginine 2254.
Molecular consequence: frameshift variant.
Genome position (GRCh38, 1-based): chr12:88,058,906, T duplicated on the plus strand (A on the coding strand, the reverse complement: CEP290 is on the minus strand). VCF-style (leftmost placement, unchanged base first): chr12-88058905-C-CT. GRCh37 (hg19) VCF-style: chr12-88452682-C-CT.
Other names: short protein forms R2254fs.
Identifiers: ClinVar variation 969044 (VCV000969044.8), dbSNP rs2034235109, ClinGen allele CA1139662792.